The following is an entry in ClinVar:

ClinVar aggregate classification (germline): Uncertain significance (1 of 4 stars; one submission).

Conditions:
Cardiomyopathy (CMYO). Also called: Cardiomyopathies. Identifiers: Orphanet 167848, MedGen C0878544, MONDO:0004994, HP:0001638. Inheritance: Various modes of inheritance.

Allele frequency attached by ClinVar (database versions not stated): TOPMed below 0.00001.

Submission:

Color Diagnostics, LLC DBA Color Health
Classification: Uncertain significance for Cardiomyopathy. Last evaluated: 2024-03-06. Review status: criteria provided, single submitter. Criteria: ACMG Guidelines, 2015. Collection method: clinical testing. Allele origin: germline.
Comment: This missense variant replaces aspartic acid with asparagine at codon 11 of the MYL3 protein. Computational prediction suggests that this variant may not impact protein structure and function (internally defined REVEL score threshold <= 0.5, PMID: 27666373). To our knowledge, functional studies have not been reported for this variant. This variant has not been reported in individuals affected with cardiovascular disorders in the literature. This variant has not been identified in the general population by the Genome Aggregation Database (gnomAD). The available evidence is insufficient to determine the role of this variant in disease conclusively. Therefore, this variant is classified as a Variant of Uncertain Significance.

NM_000258.3(MYL3):c.31G>A (p.Asp11Asn)

Gene: MYL3 (myosin light chain 3; minus strand). Cytogenetic location: 3p21.31.
Variant type: single nucleotide variant.
Coding change: c.31G>A on transcript NM_000258.3 (MANE Select); coding-DNA position 31, G replaced by A.
Protein change: p.Asp11Asn; replaces aspartic acid 11 with asparagine.
Molecular consequence: missense variant.
Genome position (GRCh38, 1-based): chr3:46,863,360, C>T on the plus strand (G>A on the coding strand, the complement: MYL3 is on the minus strand). VCF-style: chr3-46863360-C-T. GRCh37 (hg19) VCF-style: chr3-46904850-C-T.
Other names: c.31G>A, p.Asp11Asn (NM_001406937.1, NM_001406938.1, NM_001406939.1); short protein forms D11N.
Identifiers: ClinVar variation 2773989 (VCV002773989.2), dbSNP rs1326582665, ClinGen allele CA352499863.